The following is an entry in ClinVar:

ClinVar aggregate classification (germline): Conflicting classifications of pathogenicity. Review status: criteria provided, conflicting classifications (1 of 4 stars). 4 submissions from 4 submitters: Uncertain significance (3); Likely benign (1). Last evaluated 2026-01-21.

Conditions:
Cardiovascular phenotype. Identifiers: MedGen CN230736.

Allele frequency attached by ClinVar (database versions not stated): gnomAD exomes 0.00003 and 0.00007; ExAC 0.00010; 1000 Genomes Project 0.00020; gnomAD 0.00028 and 0.00029; 1000 Genomes Project 30x 0.00031; TOPMed 0.00036.
gnomAD v4.1: 80 of 1,528,004 alleles (0.0052%); highest among the groups gnomAD compares: African/African-American, 0.094%; no homozygotes.

Submissions (4):

Labcorp Genetics (formerly Invitae), Labcorp
Classification: Uncertain significance. Last evaluated: 2026-01-21. Review status: criteria provided, single submitter. Criteria: Invitae Variant Classification Sherloc (09022015). Collection method: clinical testing. Allele origin: germline.
Comment: This sequence change replaces proline, which is neutral and non-polar, with leucine, which is neutral and non-polar, at codon 1081 of the ZNF469 protein (p.Pro1081Leu). This variant is present in population databases (rs562264117, gnomAD 0.1%). This variant has not been reported in the literature in individuals affected with ZNF469-related conditions. ClinVar contains an entry for this variant (Variation ID: 320906). An algorithm developed to predict the effect of missense changes on protein structure and function outputs the following: PolyPhen-2: "Benign". The leucine amino acid residue is found in multiple mammalian species, which suggests that this missense change does not adversely affect protein function. In summary, the available evidence is currently insufficient to determine the role of this variant in disease. Therefore, it has been classified as a Variant of Uncertain Significance.

Women's Health and Genetics/Laboratory Corporation of America, LabCorp
Classification: Uncertain significance. Last evaluated: 2025-07-28. Review status: criteria provided, single submitter. Criteria: LabCorp Variant Classification Summary - May 2015. Collection method: clinical testing. Allele origin: germline.
Comment: Variant summary: ZNF469 c.3326C>T (p.Pro1109Leu) results in a non-conservative amino acid change in the encoded protein sequence. Algorithms developed to predict the effect of missense changes on protein structure and function are either unavailable or do not agree on the potential impact of this missense change. The variant allele was found at a frequency of 6.5e-05 in 123038 control chromosomes. The available data on variant occurrences in the general population are insufficient to allow any conclusion about variant significance. To our knowledge, no occurrence of c.3326C>T in individuals affected with Brittle cornea syndrome 1 and no experimental evidence demonstrating its impact on protein function have been reported. ClinVar contains an entry for this variant (Variation ID: 320906). Based on the evidence outlined above, the variant was classified as uncertain significance.

Ambry Genetics
Classification: Likely benign for Cardiovascular phenotype. Last evaluated: 2025-06-06. Review status: criteria provided, single submitter. Criteria: Ambry Variant Classification Scheme 2023. Collection method: clinical testing. Allele origin: germline.

Blueprint Genetics
Classification: Uncertain significance. Last evaluated: 2020-09-01. Review status: criteria provided, single submitter. Criteria: ACMG Guidelines, 2015. Collection method: clinical testing. Allele origin: germline.

NM_001367624.2(ZNF469):c.3326C>T (p.Pro1109Leu)

Gene: ZNF469 (zinc finger protein 469; plus strand). Cytogenetic location: 16q24.2.
Variant type: single nucleotide variant.
Coding change: c.3326C>T on transcript NM_001367624.2 (MANE Select); coding-DNA position 3326, C replaced by T.
Protein change: p.Pro1109Leu; replaces proline 1109 with leucine.
Molecular consequence: missense variant.
Genome position (GRCh38, 1-based): chr16:88,430,796, C>T. VCF-style: chr16-88430796-C-T. GRCh37 (hg19) VCF-style: chr16-88497204-C-T.
Other names: short protein forms P1109L.
Identifiers: ClinVar variation 320906 (VCV000320906.17), dbSNP rs562264117, ClinGen allele CA8224844.